The following is an entry in ClinVar:

NM_199420.4(POLQ):c.1906C>A (p.Gln636Lys)

Gene: POLQ (DNA polymerase theta; minus strand). Cytogenetic location: 3q13.33.
Variant type: single nucleotide variant.
Coding change: c.1906C>A on transcript NM_199420.4 (MANE Select); coding-DNA position 1906, C replaced by A.
Protein change: p.Gln636Lys; replaces glutamine 636 with lysine.
Molecular consequence: missense variant.
Genome position (GRCh38, 1-based): chr3:121,509,614, G>T on the plus strand (C>A on the coding strand, the complement: POLQ is on the minus strand). VCF-style: chr3-121509614-G-T. GRCh37 (hg19) VCF-style: chr3-121228461-G-T.
Other names: short protein forms Q636K.
Identifiers: ClinVar variation 2560557 (VCV002560557.2), dbSNP rs2546802006, ClinGen allele CA354113500.

ClinVar aggregate classification (germline): Uncertain significance (1 of 4 stars; one submission).

Submission:

Ambry Genetics
Classification: Uncertain significance. Last evaluated: 2023-05-04. Review status: criteria provided, single submitter. Criteria: Ambry Variant Classification Scheme 2023. Collection method: clinical testing. Allele origin: germline.
Comment: The p.Q636K variant (also known as c.1906C>A), located in coding exon 12 of the POLQ gene, results from a C to A substitution at nucleotide position 1906. The glutamine at codon 636 is replaced by lysine, an amino acid with similar properties. This amino acid position is conserved. In addition, this alteration is predicted to be tolerated by in silico analysis. Since supporting evidence is limited at this time, the clinical significance of this alteration remains unclear.